The following is an entry in ClinVar:

NM_001184.4(ATR):c.6367A>C (p.Asn2123His)

Gene: ATR (ATR checkpoint kinase; minus strand). Cytogenetic location: 3q23.
Variant type: single nucleotide variant.
Coding change: c.6367A>C on transcript NM_001184.4 (MANE Select); coding-DNA position 6367, A replaced by C.
Protein change: p.Asn2123His; replaces asparagine 2123 with histidine.
Molecular consequence: missense variant.
Genome position (GRCh38, 1-based): chr3:142,469,522, T>G on the plus strand (A>C on the coding strand, the complement: ATR is on the minus strand). VCF-style: chr3-142469522-T-G. GRCh37 (hg19) VCF-style: chr3-142188364-T-G.
Other names: c.6175A>C, p.Asn2059His (NM_001354579.2); short protein forms N2059H, N2123H.
Identifiers: ClinVar variation 2124113 (VCV002124113.4), dbSNP rs2108279514, ClinGen allele CA354805228.

ClinVar aggregate classification (germline): Uncertain significance (1 of 4 stars; one submission).

Submission:

Labcorp Genetics (formerly Invitae), Labcorp
Classification: Uncertain significance. Last evaluated: 2022-03-13. Review status: criteria provided, single submitter. Criteria: Invitae Variant Classification Sherloc (09022015). Collection method: clinical testing. Allele origin: germline.
Comment: In summary, the available evidence is currently insufficient to determine the role of this variant in disease. Therefore, it has been classified as a Variant of Uncertain Significance. Algorithms developed to predict the effect of missense changes on protein structure and function are either unavailable or do not agree on the potential impact of this missense change (SIFT: "Tolerated"; PolyPhen-2: "Probably Damaging"; Align-GVGD: "Class C0"). This variant has not been reported in the literature in individuals affected with ATR-related conditions. This variant is not present in population databases (gnomAD no frequency). This sequence change replaces asparagine, which is neutral and polar, with histidine, which is basic and polar, at codon 2123 of the ATR protein (p.Asn2123His).